The following is an entry in ClinVar:

NM_000138.5(FBN1):c.8522A>T (p.Glu2841Val)

Gene: FBN1 (fibrillin 1; minus strand). Cytogenetic location: 15q21.1.
Variant type: single nucleotide variant.
Coding change: c.8522A>T on transcript NM_000138.5 (MANE Select); coding-DNA position 8522, A replaced by T.
Protein change: p.Glu2841Val; replaces glutamic acid 2841 with valine.
Molecular consequence: missense variant.
Genome position (GRCh38, 1-based): chr15:48,411,084, T>A on the plus strand (A>T on the coding strand, the complement: FBN1 is on the minus strand). VCF-style: chr15-48411084-T-A. GRCh37 (hg19) VCF-style: chr15-48703281-T-A.
Other names: c.8522A>T, p.Glu2841Val (NM_001406716.1); short protein forms E2841V.
Identifiers: ClinVar variation 2928619 (VCV002928619.4), dbSNP rs2505370621, ClinGen allele CA392318683.

ClinVar aggregate classification (germline): Uncertain significance. Review status: criteria provided, multiple submitters, no conflicts (2 of 4 stars). 2 submissions from 2 submitters: Uncertain significance (2). Last evaluated 2025-06-26.

Conditions:
Marfan syndrome (MFS). Also called: MARFAN SYNDROME, TYPE I; Marfan syndrome type 1; Marfan's syndrome; Marfan syndrome, classic; FBN1-Related Marfan Syndrome. Identifiers: Orphanet 284963, Orphanet 558, MedGen C0024796, MONDO:0007947, OMIM 154700.
Familial thoracic aortic aneurysm and aortic dissection (TAAD). Also called: Thoracic aortic aneurysms and dissections. Identifiers: Orphanet 91387, MedGen C4707243, MONDO:0019625.

Submissions (2):

Color Diagnostics, LLC DBA Color Health
Classification: Uncertain significance for Familial thoracic aortic aneurysm and aortic dissection. Last evaluated: 2025-06-26. Review status: criteria provided, single submitter. Criteria: ACMG Guidelines, 2015. Collection method: clinical testing. Allele origin: germline.
Comment: This missense variant replaces glutamic acid with valine at codon 2841 of the FBN1 protein. Computational prediction suggests that this variant may have deleterious impact on protein structure and function. To our knowledge, functional studies have not been reported for this variant. This variant has been reported in an individual affected with features of Marfan syndrome (PMID: 31536524). This variant has not been identified in the general population by the Genome Aggregation Database (gnomAD). The available evidence is insufficient to determine the role of this variant in disease conclusively. Therefore, this variant is classified as a Variant of Uncertain Significance.

Labcorp Genetics (formerly Invitae), Labcorp
Classification: Uncertain significance for Marfan syndrome; Familial thoracic aortic aneurysm and aortic dissection. Last evaluated: 2023-07-29. Review status: criteria provided, single submitter. Criteria: Invitae Variant Classification Sherloc (09022015). Collection method: clinical testing. Allele origin: germline.
Comment: This sequence change replaces glutamic acid, which is acidic and polar, with valine, which is neutral and non-polar, at codon 2841 of the FBN1 protein (p.Glu2841Val). This variant is not present in population databases (gnomAD no frequency). This missense change has been observed in individual(s) with clinical features of FBN1-related conditions (PMID: 31536524). Advanced modeling of protein sequence and biophysical properties (such as structural, functional, and spatial information, amino acid conservation, physicochemical variation, residue mobility, and thermodynamic stability) performed at Invitae indicates that this missense variant is expected to disrupt FBN1 protein function. In summary, the available evidence is currently insufficient to determine the role of this variant in disease. Therefore, it has been classified as a Variant of Uncertain Significance.

Literature cited by the submitters: PubMed 31536524 (cited by Color Diagnostics, LLC DBA Color Health and Labcorp Genetics (formerly Invitae), Labcorp).